The following is an entry in ClinVar:

NM_001130009.3(GEN1):c.5G>A (p.Gly2Glu)

Gene: GEN1 (GEN1 structure-specific endonuclease; plus strand). Cytogenetic location: 2p24.2.
Variant type: single nucleotide variant.
Coding change: c.5G>A on transcript NM_001130009.3 (MANE Select); coding-DNA position 5, G replaced by A.
Protein change: p.Gly2Glu; replaces glycine 2 with glutamic acid.
Molecular consequence: missense variant.
Genome position (GRCh38, 1-based): chr2:17,759,948, G>A. VCF-style: chr2-17759948-G-A. GRCh37 (hg19) VCF-style: chr2-17941215-G-A.
Other names: c.5G>A, p.Gly2Glu (NM_182625.5); short protein forms G2E.
Identifiers: ClinVar variation 4857952 (VCV004857952.1).

ClinVar aggregate classification (germline): Uncertain significance (1 of 4 stars; one submission).

Submission:

Ambry Genetics
Classification: Uncertain significance. Last evaluated: 2026-04-02. Review status: criteria provided, single submitter. Criteria: Ambry Variant Classification Scheme 2023. Collection method: clinical testing. Allele origin: germline.
Comment: The p.G2E variant (also known as c.5G>A), located in coding exon 1 of the GEN1 gene, results from a G to A substitution at nucleotide position 5. The glycine at codon 2 is replaced by glutamic acid, an amino acid with similar properties. This amino acid position is conserved. In addition, this alteration is predicted to be deleterious by in silico analysis. Based on the available evidence, the clinical significance of this variant remains unclear.